The following is an entry in ClinVar:

ClinVar aggregate classification (germline): Conflicting classifications of pathogenicity. Review status: criteria provided, conflicting classifications (1 of 4 stars). 3 submissions from 3 submitters: Uncertain significance (1); Likely benign (2). Last evaluated 2025-07-30.

Conditions:
Hereditary cancer-predisposing syndrome. Also called: Tumor predisposition; Neoplastic Syndromes, Hereditary; Hereditary Cancer Syndrome; Hereditary neoplastic syndrome. Identifiers: Orphanet 140162, MedGen C0027672, MeSH D009386, MONDO:0015356.
Tuberous sclerosis 2 (TSC2). Identifiers: Orphanet 805, MedGen C1860707, MONDO:0013199, OMIM 613254.

Allele frequency attached by ClinVar (database versions not stated): TOPMed 0.00001; gnomAD exomes 0.00002; ExAC 0.00003.
gnomAD v4.1: 14 of 1,612,778 alleles (0.00087%); highest among the groups gnomAD compares: Admixed American, 0.005%; no homozygotes.

Submissions (3):

Labcorp Genetics (formerly Invitae), Labcorp
Classification: Likely benign for Tuberous sclerosis 2. Last evaluated: 2025-07-30. Review status: criteria provided, single submitter. Criteria: Invitae Variant Classification Sherloc (09022015). Collection method: clinical testing. Allele origin: germline.

Ambry Genetics
Classification: Uncertain significance for Hereditary cancer-predisposing syndrome. Last evaluated: 2024-07-03. Review status: criteria provided, single submitter. Criteria: Ambry Variant Classification Scheme 2023. Collection method: clinical testing. Allele origin: germline.
Comment: The p.R1078W variant (also known as c.3232C>T), located in coding exon 27 of the TSC2 gene, results from a C to T substitution at nucleotide position 3232. The arginine at codon 1078 is replaced by tryptophan, an amino acid with dissimilar properties. This amino acid position is well conserved in available vertebrate species. In addition, this alteration is predicted to be deleterious by in silico analysis. Based on the available evidence, the clinical significance of this variant remains unclear.

Genome-Nilou Lab
Classification: Likely benign for Tuberous sclerosis 2. Last evaluated: 2021-11-07. Review status: criteria provided, single submitter. Criteria: ACMG Guidelines, 2015. Collection method: clinical testing. Allele origin: germline. Affected: no.

NM_000548.5(TSC2):c.3232C>T (p.Arg1078Trp)

Gene: TSC2 (TSC complex subunit 2; plus strand). Cytogenetic location: 16p13.3.
Variant type: single nucleotide variant.
Coding change: c.3232C>T on transcript NM_000548.5 (MANE Select); coding-DNA position 3232, C replaced by T.
Protein change: p.Arg1078Trp; replaces arginine 1078 with tryptophan.
Molecular consequence: missense variant.
Genome position (GRCh38, 1-based): chr16:2,079,376, C>T. VCF-style: chr16-2079376-C-T. GRCh37 (hg19) VCF-style: chr16-2129377-C-T.
Other names: c.3100C>T, p.Arg1034Trp (NM_001077183.3, NM_001370404.1); c.3232C>T, p.Arg1078Trp (NM_001114382.3); c.2992C>T, p.Arg998Trp (NM_001318827.2); c.2956C>T, p.Arg986Trp (NM_001318829.2); c.2500C>T, p.Arg834Trp (NM_001318831.2); c.3133C>T, p.Arg1045Trp (NM_001318832.2); c.3103C>T, p.Arg1035Trp (NM_001363528.2, NM_001370405.1, NM_021055.3); short protein forms R1078W, R1034W, R834W, R986W, R998W, R1035W, R1045W.
Identifiers: ClinVar variation 405964 (VCV000405964.19), dbSNP rs78956195, ClinGen allele CA044888.